The following is an entry in ClinVar:

NC_000017.10:g.(?_59870938)_(59886138_?)dup

Gene: BRIP1 (BRCA1 interacting DNA helicase 1; minus strand). Cytogenetic location: 17q23.2.
Variant type: Duplication.
Identifiers: ClinVar variation 3242966 (VCV003242966.1).

ClinVar aggregate classification (germline): Likely pathogenic (1 of 4 stars; one submission).

Conditions:
Familial cancer of breast. Also called: BREAST CANCER, FAMILIAL; hereditary breast carcinoma; Hereditary breast cancer. Identifiers: Orphanet 227535, MedGen C0346153, MONDO:0016419, OMIM 114480. Disease mechanism: loss of function.
Fanconi anemia complementation group J. Also called: BRIP1-Related Fanconi Anemia. Identifiers: Orphanet 84, MedGen C1836860, MONDO:0012187, OMIM 609054.

Submission:

Labcorp Genetics (formerly Invitae), Labcorp
Classification: Likely pathogenic for Familial cancer of breast; Fanconi anemia complementation group J. Last evaluated: 2023-11-24. Review status: criteria provided, single submitter. Criteria: Invitae Variant Classification Sherloc (09022015). Collection method: clinical testing. Allele origin: unknown.
Comment: This variant results in a copy number gain of the genomic region encompassing exon(s) 7-10 of the BRIP1 gene. While the exact position of this variant cannot be determined from the data, sub-genic copy number gains are generally in tandem (PMID: 25640679). This variant is predicted to be in-frame, and likely preserves the integrity of the reading frame. A similar copy number variant has been observed in individual(s) with breast cancer and ovarian cancer (Invitae). It has also been observed to segregate with disease in related individuals. Experimental studies and prediction algorithms are not available or were not evaluated, and the functional significance of this variant is currently unknown. This variant disrupts the conserved ATPase-Helicase domain, including the iron-sulfur (Fe-S) cluster of the BRIP1 protein, which is important for DNA helicase activity of BRIP1 (PMID: 11301010, 21345144, 33619228). While functional studies have not been performed to directly test the effect of this variant on BRIP1 protein function, this suggests that disruption of this region of the protein is causative of disease. In summary, the currently available evidence indicates that the variant is pathogenic, but additional data are needed to prove that conclusively. Therefore, this variant has been classified as Likely Pathogenic.

Literature cited by the submitters: PubMed 25640679; PubMed 11301010; PubMed 21345144; PubMed 33619228.